The following is an entry in ClinVar:

NM_000474.4(TWIST1):c.475C>G (p.Leu159Val)

Genes: TWIST1 (twist family bHLH transcription factor 1; minus strand), LOC129998021 (ATAC-STARR-seq lymphoblastoid active region 25682; plus strand). Cytogenetic location: 7p21.1.
Variant type: single nucleotide variant.
Coding change: c.475C>G on transcript NM_000474.4 (MANE Select); coding-DNA position 475, C replaced by G.
Protein change: p.Leu159Val; replaces leucine 159 with valine.
Molecular consequence: missense variant. On other transcripts: non-coding transcript variant (1).
Genome position (GRCh38, 1-based): chr7:19,116,847, G>C on the plus strand (C>G on the coding strand, the complement: TWIST1 is on the minus strand). VCF-style: chr7-19116847-G-C. GRCh37 (hg19) VCF-style: chr7-19156470-G-C.
Other names: short protein forms L159V.
Identifiers: ClinVar variation 981189 (VCV000981189.2), dbSNP rs1563159945, ClinGen allele CA367015356.

ClinVar aggregate classification (germline): Conflicting classifications of pathogenicity. Review status: criteria provided, conflicting classifications (1 of 4 stars). 2 submissions from 2 submitters: Likely pathogenic (1); Uncertain significance (1). Last evaluated 2026-07-16.

Conditions:
Saethre-Chotzen syndrome (SCS). Also called: ACROCEPHALY, SKULL ASYMMETRY, AND MILD SYNDACTYLY; ACS III; CHOTZEN SYNDROME. Identifiers: Orphanet 794, MedGen C0175699, MONDO:0007042, OMIM 101400.
Common craniosynostosis syndromes.

Submissions (2):

Genetics Laboratory, Great Ormond Street Hospital NHS Foundation Trust, North Thames Genomic Laboratory Hub
Classification: Uncertain significance for Common craniosynostosis syndromes. Last evaluated: 2026-07-16. Review status: criteria provided, single submitter. Criteria: ACGS Best Practice Guidelines for Variant Classification in Rare Disease 2024 v1.2. Collection method: clinical testing. Allele origin: germline. Affected: yes.
Comment: PS4_supporting, PM2_moderate, PP3_supporting, PM1_supporting

Department of Medical Genetics, Oslo University Hospital
Classification: Likely pathogenic for Saethre-Chotzen syndrome. Review status: criteria provided, single submitter. Criteria: ACMG Guidelines, 2015. Collection method: clinical testing. Allele origin: germline. Affected: yes. Observed: 1 variant allele, 1 heterozygote.